The following is an entry in ClinVar:

NM_006231.4(POLE):c.3378+6T>C

Gene: POLE (DNA polymerase epsilon, catalytic subunit; minus strand). Cytogenetic location: 12q24.33.
Variant type: single nucleotide variant.
Coding change: c.3378+6T>C on transcript NM_006231.4 (MANE Select); 6 bases into the intron after coding-DNA position 3378, T replaced by C.
Molecular consequence: intron variant.
Genome position (GRCh38, 1-based): chr12:132,657,862, A>G on the plus strand (T>C on the coding strand, the complement: POLE is on the minus strand). VCF-style: chr12-132657862-A-G. GRCh37 (hg19) VCF-style: chr12-133234448-A-G.
Identifiers: ClinVar variation 2017448 (VCV002017448.4), dbSNP rs2542007172, ClinGen allele CA2580086024.

ClinVar aggregate classification (germline): Likely pathogenic (1 of 4 stars; one submission).

Submission:

Labcorp Genetics (formerly Invitae), Labcorp
Classification: Likely pathogenic. Last evaluated: 2023-09-17. Review status: criteria provided, single submitter. Criteria: Invitae Variant Classification Sherloc (09022015). Collection method: clinical testing. Allele origin: germline.
Comment: In summary, the currently available evidence indicates that the variant is pathogenic, but additional data are needed to prove that conclusively. Therefore, this variant has been classified as Likely Pathogenic. Variants that disrupt the consensus splice site are a relatively common cause of aberrant splicing (PMID: 17576681, 9536098). Studies have shown that this variant results in activation of a cryptic splice site and introduces a premature termination codon (Invitae). The resulting mRNA is expected to undergo nonsense-mediated decay. ClinVar contains an entry for this variant (Variation ID: 2017448). This variant has not been reported in the literature in individuals affected with POLE-related conditions. This variant is not present in population databases (gnomAD no frequency). This sequence change falls in intron 27 of the POLE gene. It does not directly change the encoded amino acid sequence of the POLE protein. RNA analysis indicates that this variant induces altered splicing and may result in an absent or disrupted protein product.

Literature cited by the submitters: PubMed 17576681; PubMed 9536098.